The following is an entry in ClinVar:

NM_001177693.2(ARHGEF28):c.622C>T (p.Arg208Cys)

Gene: ARHGEF28 (Rho guanine nucleotide exchange factor 28; plus strand). Cytogenetic location: 5q13.2.
Variant type: single nucleotide variant.
Coding change: c.622C>T on transcript NM_001177693.2 (MANE Select); coding-DNA position 622, C replaced by T.
Protein change: p.Arg208Cys; replaces arginine 208 with cysteine.
Molecular consequence: missense variant.
Genome position (GRCh38, 1-based): chr5:73,774,001, C>T. VCF-style: chr5-73774001-C-T. GRCh37 (hg19) VCF-style: chr5-73069826-C-T.
Other names: c.622C>T, p.Arg208Cys (NM_001080479.3, NM_001388078.1); c.328C>T, p.Arg110Cys (NM_001388076.1); short protein forms R110C, R208C.
Identifiers: ClinVar variation 2634645 (VCV002634645.3), dbSNP rs112237001, ClinGen allele CA3304233.
Genomic context (GRCh38, chr5:73,774,001, plus strand): 5'-GGAGTCCAGGCCTTGGCTTTACCCAACGAAGAGGGTGCCACACCATTAGACTTAGCTTTA[C>T]GTGAAGGACACTCCAAGCTGGTGGAAGACGTCACAAAGTGAGTTTAGCTACTTGATAGTC-3'
Protein context (NP_001171164.1, residues 198-218): EGATPLDLAL[Arg208Cys]EGHSKLVEDV

ClinVar aggregate classification (germline): Uncertain significance. Review status: criteria provided, single submitter (1 of 4 stars). 2 submissions from 2 submitters: Uncertain significance (1). 1 of the submissions does not count toward it. Last evaluated 2024-09-26.

Conditions:
ARHGEF28-related disorder. Also called: ARHGEF28-related condition.

Allele frequency attached by ClinVar (database versions not stated): gnomAD 0.00002; TOPMed 0.00002; ExAC 0.00003.
gnomAD v4.1: 33 of 1,604,282 alleles (0.0021%); highest among the groups gnomAD compares: African/African-American, 0.0093%; no homozygotes.

Submissions (2):

Ambry Genetics
Classification: Uncertain significance. Last evaluated: 2024-09-26. Review status: criteria provided, single submitter. Criteria: Ambry Variant Classification Scheme 2023. Collection method: clinical testing. Allele origin: germline.

PreventionGenetics, part of Exact Sciences
Classification: Uncertain significance for ARHGEF28-related condition. Last evaluated: 2024-09-03. Review status: no assertion criteria provided. Collection method: clinical testing. Allele origin: germline. Not counted in ClinVar's aggregate classification.
Comment: The ARHGEF28 c.622C>T variant is predicted to result in the amino acid substitution p.Arg208Cys. To our knowledge, this variant has not been reported in the literature. This variant is reported in 0.0060% of alleles in individuals of Latino descent in gnomAD. At this time, the clinical significance of this variant is uncertain due to the absence of conclusive functional and genetic evidence.